The following is an entry in ClinVar:

NM_000787.4(DBH):c.1286G>A (p.Arg429Gln)

Gene: DBH (dopamine beta-hydroxylase; plus strand). Cytogenetic location: 9q34.2.
Variant type: single nucleotide variant.
Coding change: c.1286G>A on transcript NM_000787.4 (MANE Select); coding-DNA position 1286, G replaced by A.
Protein change: p.Arg429Gln; replaces arginine 429 with glutamine.
Molecular consequence: missense variant.
Genome position (GRCh38, 1-based): chr9:133,651,728, G>A. VCF-style: chr9-133651728-G-A. GRCh37 (hg19) VCF-style: chr9-136516850-G-A.
Other names: short protein forms R429Q.
Identifiers: ClinVar variation 913824 (VCV000913824.11), dbSNP rs773007874, ClinGen allele CA5313413.

ClinVar aggregate classification (germline): Uncertain significance. Review status: criteria provided, multiple submitters, no conflicts (2 of 4 stars). 3 submissions from 3 submitters: Uncertain significance (3). Last evaluated 2025-06-03.

Conditions:
Orthostatic hypotension 1 (ORTHYP1). Also called: NORADRENALINE DEFICIENCY; NOREPINEPHRINE DEFICIENCY; Orthostatic hypotension 1, due to DBH deficiency; Dopamine beta-hydroxylase deficiency. Identifiers: Orphanet 230, MedGen C4746777, MONDO:0009123, OMIM 223360.
Inborn genetic diseases. Identifiers: MedGen C0950123, MeSH D030342.

Allele frequency attached by ClinVar (database versions not stated): gnomAD exomes 0.00002 and 0.00011; gnomAD 0.00004 and 0.00005; TOPMed 0.00004; ExAC 0.00012.
gnomAD v4.1: 40 of 1,613,676 alleles (0.0025%); highest among the groups gnomAD compares: East Asian, 0.045%; no homozygotes.

Submissions (3):

Ambry Genetics
Classification: Uncertain significance for Inborn genetic diseases. Last evaluated: 2025-06-03. Review status: criteria provided, single submitter. Criteria: Ambry Variant Classification Scheme 2023. Collection method: clinical testing. Allele origin: germline.

Labcorp Genetics (formerly Invitae), Labcorp
Classification: Uncertain significance for Orthostatic hypotension 1. Last evaluated: 2021-09-02. Review status: criteria provided, single submitter. Criteria: Invitae Variant Classification Sherloc (09022015). Collection method: clinical testing. Allele origin: germline.
Comment: This sequence change replaces arginine with glutamine at codon 429 of the DBH protein (p.Arg429Gln). The arginine residue is weakly conserved and there is a small physicochemical difference between arginine and glutamine. This variant is present in population databases (rs773007874, ExAC 0.1%). This variant has not been reported in the literature in individuals affected with DBH-related conditions. ClinVar contains an entry for this variant (Variation ID: 913824). Algorithms developed to predict the effect of missense changes on protein structure and function output the following: SIFT: "Tolerated"; PolyPhen-2: "Benign"; Align-GVGD: "Class C0". The glutamine amino acid residue is found in multiple mammalian species, which suggests that this missense change does not adversely affect protein function. In summary, the available evidence is currently insufficient to determine the role of this variant in disease. Therefore, it has been classified as a Variant of Uncertain Significance.

Illumina Laboratory Services, Illumina
Classification: Uncertain significance for Orthostatic hypotension 1. Last evaluated: 2018-01-13. Review status: criteria provided, single submitter. Criteria: ICSL Variant Classification Criteria 13 December 2019. Collection method: clinical testing. Allele origin: germline.